The following is an entry in ClinVar:

ClinVar aggregate classification (germline): Uncertain significance. Review status: criteria provided, multiple submitters, no conflicts (2 of 4 stars). 2 submissions from 2 submitters: Uncertain significance (2). Last evaluated 2025-06-20.

Conditions:
Hereditary cancer-predisposing syndrome. Also called: Neoplastic Syndromes, Hereditary; Hereditary Cancer Syndrome; Hereditary neoplastic syndrome; Tumor predisposition. Identifiers: Orphanet 140162, MedGen C0027672, MeSH D009386, MONDO:0015356.

Submissions (2):

Labcorp Genetics (formerly Invitae), Labcorp
Classification: Uncertain significance. Last evaluated: 2025-06-20. Review status: criteria provided, single submitter. Criteria: Invitae Variant Classification Sherloc (09022015). Collection method: clinical testing. Allele origin: germline.
Comment: This sequence change replaces alanine, which is neutral and non-polar, with valine, which is neutral and non-polar, at codon 24 of the CTNNA1 protein (p.Ala24Val). This variant is not present in population databases (gnomAD no frequency). This variant has not been reported in the literature in individuals affected with CTNNA1-related conditions. ClinVar contains an entry for this variant (Variation ID: 1061241). Invitae Evidence Modeling of protein sequence and biophysical properties (such as structural, functional, and spatial information, amino acid conservation, physicochemical variation, residue mobility, and thermodynamic stability) indicates that this missense variant is not expected to disrupt CTNNA1 protein function with a negative predictive value of 80%. In summary, the available evidence is currently insufficient to determine the role of this variant in disease. Therefore, it has been classified as a Variant of Uncertain Significance.

Ambry Genetics
Classification: Uncertain significance for Hereditary cancer-predisposing syndrome. Last evaluated: 2023-11-15. Review status: criteria provided, single submitter. Criteria: Ambry Variant Classification Scheme 2023. Collection method: clinical testing. Allele origin: germline.
Comment: The p.A24V variant (also known as c.71C>T), located in coding exon 1 of the CTNNA1 gene, results from a C to T substitution at nucleotide position 71. The alanine at codon 24 is replaced by valine, an amino acid with similar properties. This amino acid position is highly conserved in available vertebrate species. In addition, the in silico prediction for this alteration is inconclusive. Since supporting evidence is limited at this time, the clinical significance of this alteration remains unclear.

NM_001903.5(CTNNA1):c.71C>T (p.Ala24Val)

Gene: CTNNA1 (catenin alpha 1; plus strand). Cytogenetic location: 5q31.2.
Variant type: single nucleotide variant.
Coding change: c.71C>T on transcript NM_001903.5 (MANE Select); coding-DNA position 71, C replaced by T.
Protein change: p.Ala24Val; replaces alanine 24 with valine.
Molecular consequence: missense variant. On other transcripts: 5 prime UTR variant (2).
Genome position (GRCh38, 1-based): chr5:138,781,995, C>T. VCF-style: chr5-138781995-C-T. GRCh37 (hg19) VCF-style: chr5-138117684-C-T.
Other names: c.71C>T, p.Ala24Val (NM_001290307.3, NM_001323982.2, NM_001323983.1 and 3 more transcripts); c.-43C>T (NM_001290309.3); c.-136C>T (NM_001290310.3); c.71C>T (NM_001903.2); short protein forms A24V.
Identifiers: ClinVar variation 1061241 (VCV001061241.8), dbSNP rs1755163589, ClinGen allele CA361477175.